The following is an entry in ClinVar:

NM_000138.5(FBN1):c.3389A>G (p.His1130Arg)

Gene: FBN1 (fibrillin 1; minus strand). Cytogenetic location: 15q21.1.
Variant type: single nucleotide variant.
Coding change: c.3389A>G on transcript NM_000138.5 (MANE Select); coding-DNA position 3389, A replaced by G.
Protein change: p.His1130Arg; replaces histidine 1130 with arginine.
Molecular consequence: missense variant.
Genome position (GRCh38, 1-based): chr15:48,487,386, T>C on the plus strand (A>G on the coding strand, the complement: FBN1 is on the minus strand). VCF-style: chr15-48487386-T-C. GRCh37 (hg19) VCF-style: chr15-48779583-T-C.
Other names: p.H1130R:CAT>CGT; short protein forms H1130R.
Identifiers: ClinVar variation 200016 (VCV000200016.24), dbSNP rs747189975, ClinGen allele CA014034.

ClinVar aggregate classification (germline): Conflicting classifications of pathogenicity. Review status: criteria provided, conflicting classifications (1 of 4 stars). 9 submissions from 9 submitters: Uncertain significance (7); Benign (1); Likely benign (1). Last evaluated 2025-10-07.

Conditions:
Connective tissue disorder. Also called: Connective tissue disease. Identifiers: MedGen C0009782, MONDO:0003900.
Marfan syndrome (MFS). Also called: Marfan syndrome, classic; FBN1-Related Marfan Syndrome; Marfan syndrome type 1; Marfan's syndrome; MARFAN SYNDROME, TYPE I. Identifiers: Orphanet 284963, Orphanet 558, MedGen C0024796, MONDO:0007947, OMIM 154700.
MASS syndrome (OCTD). Also called: OVERLAP CONNECTIVE TISSUE DISEASE; MASS PHENOTYPE. Identifiers: MedGen C1858556, MONDO:0011431, OMIM 604308.
Weill-Marchesani syndrome 2, dominant. Also called: Weill-Marchesani Syndrome, Autosomal Dominant; FBN1-Related Weill-Marchesani Syndrome. Identifiers: Orphanet 2084, MedGen C1869115, MONDO:0012013, OMIM 608328.
Acromicric dysplasia (ACMICD). Also called: Acromicric skeletal dysplasia. Identifiers: Orphanet 969, MedGen C0265287, MONDO:0007055, OMIM 102370.
Ectopia lentis 1, isolated, autosomal dominant (ECTOL1). Identifiers: Orphanet 1885, MedGen C3541518, MONDO:0007514, OMIM 129600.
Stiff skin syndrome (SSKS). Identifiers: Orphanet 2833, MedGen C1861456, MONDO:0008492, OMIM 184900.
Geleophysic dysplasia 2 (GPHYSD2). Identifiers: Orphanet 2623, MedGen C3280054, MONDO:0013612, OMIM 614185.
Progeroid and marfanoid aspect-lipodystrophy syndrome. Also called: MARFANOID-PROGEROID SYNDROME; MARFAN-PROGEROID-LIPODYSTROPHY SYNDROME; Marfan lipodystrophy syndrome; MARFANOID-PROGEROID-LIPODYSTROPHY SYNDROME. Identifiers: Orphanet 300382, MedGen C4310796, MONDO:0014831, OMIM 616914.
Familial thoracic aortic aneurysm and aortic dissection (TAAD). Also called: Thoracic aortic aneurysms and dissections. Identifiers: Orphanet 91387, MedGen C4707243, MONDO:0019625.

Allele frequency attached by ClinVar (database versions not stated): ExAC 0.00001; TOPMed 0.00002; gnomAD 0.00003; gnomAD exomes 0.00001 and 0.00003.
gnomAD v4.1: 51 of 1,614,094 alleles (0.0032%); highest among the groups gnomAD compares: African/African-American, 0.004%; no homozygotes.

Submissions (9):

Color Diagnostics, LLC DBA Color Health
Classification: Likely benign for Familial thoracic aortic aneurysm and aortic dissection. Last evaluated: 2025-10-07. Review status: criteria provided, single submitter. Criteria: ACMG Guidelines, 2015. Collection method: clinical testing. Allele origin: germline.

Labcorp Genetics (formerly Invitae), Labcorp
Classification: Benign for Marfan syndrome; Familial thoracic aortic aneurysm and aortic dissection. Last evaluated: 2025-10-01. Review status: criteria provided, single submitter. Criteria: Invitae Variant Classification Sherloc (09022015). Collection method: clinical testing. Allele origin: germline.

All of Us Research Program, National Institutes of Health
Classification: Uncertain significance for Marfan syndrome. Last evaluated: 2024-05-17. Review status: criteria provided, single submitter. Criteria: ACMG Guidelines, 2015. Collection method: clinical testing. Allele origin: germline. Inheritance: Autosomal dominant inheritance. Observed: 7 variant alleles, 7 heterozygotes.
Comment: This missense variant replaces histidine with arginine at codon 1130 of the FBN1 protein. Computational prediction suggests that this variant may not impact protein structure and function (internally defined REVEL score threshold <= 0.5, PMID: 27666373). To our knowledge, functional studies have not been reported for this variant. This variant has been reported in two unrelated individuals affected with Marfan syndrome (PMID: 19533785, 28941062) and in another individual affected with cardiomyopathy (PMID: 32009526). This variant has been identified in 4/282878 chromosomes in the general population by the Genome Aggregation Database (gnomAD). The available evidence is insufficient to determine the role of this variant in disease conclusively. Therefore, this variant is classified as a Variant of Uncertain Significance.

This study involves interpretation of variants in research participants for the purpose of population health screening. Participant phenotype was not available at the time of variant classification. Additional details can be found in publication PMID: 35346344, PMCID: PMC8962531

GeneDx
Classification: Uncertain significance. Last evaluated: 2022-04-04. Review status: criteria provided, single submitter. Criteria: GeneDx Variant Classification Process June 2021. Collection method: clinical testing. Allele origin: germline. Affected: yes.
Comment: Has been reported in a patient with Marfan syndrome; however, clinical and segregation data were not provided (Vatti et al., 2017); Not observed at significant frequency in large population cohorts (gnomAD); In silico analysis supports that this missense variant does not alter protein structure/function; Although located in a calcium-binding EGF-like domain of the FBN1 gene, it does not affect a cysteine residue within this domain; cysteine substitutions in the calcium-binding EGF-like domains represent the majority of pathogenic missense changes associated with FBN1-related disorders (Collod-Beroud et al., 2003); This variant is associated with the following publications: (PMID: 28941062, 12938084)

Fulgent Genetics
Classification: Uncertain significance for Acromicric dysplasia; Ectopia lentis 1, isolated, autosomal dominant; Marfan syndrome; Stiff skin syndrome; MASS syndrome; Weill-Marchesani syndrome 2, dominant; Geleophysic dysplasia 2; Progeroid and marfanoid aspect-lipodystrophy syndrome. Last evaluated: 2021-10-09. Review status: criteria provided, single submitter. Criteria: ACMG Guidelines, 2015. Collection method: clinical testing. Allele origin: unknown.

Genome Diagnostics Laboratory, The Hospital for Sick Children
Classification: Uncertain significance for Connective tissue disorder. Last evaluated: 2019-06-01. Review status: criteria provided, single submitter. Criteria: ACMG Guidelines, 2015. Collection method: clinical testing. Allele origin: germline.

Blueprint Genetics
Classification: Uncertain significance. Last evaluated: 2019-03-19. Review status: criteria provided, single submitter. Criteria: ACMG Guidelines, 2015. Collection method: clinical testing. Allele origin: germline.

Women's Health and Genetics/Laboratory Corporation of America, LabCorp
Classification: Uncertain significance. Last evaluated: 2018-12-03. Review status: criteria provided, single submitter. Criteria: LabCorp Variant Classification Summary - May 2015. Collection method: clinical testing. Allele origin: germline.
Comment: Variant summary: FBN1 c.3389A>G (p.His1130Arg) results in a non-conservative amino acid change located in the EGF-like domain of the encoded protein sequence. Four of five in-silico tools predict a benign effect of the variant on protein function. The variant allele was found at a frequency of 1.4e-05 in 277228 control chromosomes (gnomAD). The available data on variant occurrences in the general population are insufficient to allow any conclusion about variant significance. c.3389A>G has been reported in the literature in an individual with possible Marfan Syndrome (Vatti_2017). These report(s) do not provide unequivocal conclusions about association of the variant with Marfan Syndrome. To our knowledge, no experimental evidence demonstrating an impact on protein function has been reported. Two ClinVar submissions from clinical diagnostic laboratories (evaluation after 2014) cites the variant as uncertain significance. Based on the evidence outlined above, the variant was classified as uncertain significance.

Ambry Genetics
Classification: Uncertain significance for Familial thoracic aortic aneurysm and aortic dissection. Last evaluated: 2018-11-23. Review status: criteria provided, single submitter. Criteria: Ambry Variant Classification Scheme 2023. Collection method: clinical testing. Allele origin: germline.
Comment: The p.H1130R variant (also known as c.3389A>G), located in coding exon 27 of the FBN1 gene, results from an A to G substitution at nucleotide position 3389. The histidine at codon 1130 is replaced by arginine, an amino acid with highly similar properties, and is located in the cbEGF-like #13 domain. This alteration has been reported in association with Marfan syndrome (Vatti L et al. Am. J. Med. Genet. A, 2017 Nov;173:2995-3002). Another alteration affecting the same amino acid, p.H1130P (c.3389A>C), has also been reported in association with Marfan syndrome (Chung BH et al. Am. J. Med. Genet. A, 2009 Jul;149A:1452-9). This amino acid position is poorly conserved in available vertebrate species. In addition, this alteration is predicted to be tolerated by in silico analysis. Since supporting evidence is limited at this time, the clinical significance of this alteration remains unclear.

Literature cited by the submitters: PubMed 19533785 (cited by All of Us Research Program, National Institutes of Health and Ambry Genetics); PubMed 28941062 (cited by 3 submitters); PubMed 32009526 (cited by All of Us Research Program, National Institutes of Health).